The following is an entry in ClinVar:

ClinVar aggregate classification (germline): Uncertain significance (1 of 4 stars; one submission).

Conditions:
Charcot-Marie-Tooth disease dominant intermediate B (CMTDIB). Also called: Charcot-Marie-Tooth disease dominant intermediate 1; CMT DI1; Charcot-Marie-Tooth disease dominant intermediate I; CHARCOT-MARIE-TOOTH NEUROPATHY, DOMINANT INTERMEDIATE B. Identifiers: Orphanet 100044, Orphanet 228179, MedGen C1847902, MONDO:0011674, OMIM 606482.

gnomAD v4.1: 1 of 1,505,124 alleles (0.000066%); no homozygotes.

Submission:

Labcorp Genetics (formerly Invitae), Labcorp
Classification: Uncertain significance for Charcot-Marie-Tooth disease dominant intermediate B. Last evaluated: 2019-08-23. Review status: criteria provided, single submitter. Criteria: Invitae Variant Classification Sherloc (09022015). Collection method: clinical testing. Allele origin: germline.
Comment: Algorithms developed to predict the effect of missense changes on protein structure and function are either unavailable or do not agree on the potential impact of this missense change (SIFT: "Deleterious"; PolyPhen-2: "Probably Damaging"; Align-GVGD: "Class C0"). In summary, the available evidence is currently insufficient to determine the role of this variant in disease. Therefore, it has been classified as a Variant of Uncertain Significance. This sequence change replaces aspartic acid with glutamic acid at codon 18 of the DNM2 protein (p.Asp18Glu). The aspartic acid residue is highly conserved and there is a small physicochemical difference between aspartic acid and glutamic acid. The frequency data for this variant in the population databases is considered unreliable, as metrics indicate insufficient coverage at this position in the ExAC database. This variant has not been reported in the literature in individuals with DNM2-related conditions.

NM_001005361.3(DNM2):c.54C>A (p.Asp18Glu)

Genes: DNM2 (dynamin 2; plus strand), LOC130063529 (ATAC-STARR-seq lymphoblastoid silent region 10090; plus strand). Cytogenetic location: 19p13.2.
Variant type: single nucleotide variant.
Coding change: c.54C>A on transcript NM_001005361.3 (MANE Select); coding-DNA position 54, C replaced by A.
Protein change: p.Asp18Glu; replaces aspartic acid 18 with glutamic acid.
Molecular consequence: missense variant.
Genome position (GRCh38, 1-based): chr19:10,718,296, C>A. VCF-style: chr19-10718296-C-A. GRCh37 (hg19) VCF-style: chr19-10828972-C-A.
Other names: c.54C>A, p.Asp18Glu (NM_001005360.3, NM_001005362.3, NM_001190716.2 and 1 more transcripts); short protein forms D18E.
Identifiers: ClinVar variation 937950 (VCV000937950.10), dbSNP rs2068819294, ClinGen allele CA404046537.
Genomic context (GRCh38, chr19:10,718,296, plus strand): 5'-CGGCGCCATGGGCAACCGCGGGATGGAAGAGCTGATCCCGCTGGTCAACAAACTGCAGGA[C>A]GCCTTCAGCTCCATCGGCCAGAGCTGCCACCTGGACCTGCCGCAGATCGCTGTAGTGGGC-3'
Protein context (NP_001005361.1, residues 8-28): ELIPLVNKLQ[Asp18Glu]AFSSIGQSCH